The following is an entry in ClinVar:

ClinVar aggregate classification (germline): Uncertain significance (1 of 4 stars; one submission).

Submission:

Labcorp Genetics (formerly Invitae), Labcorp
Classification: Uncertain significance. Last evaluated: 2022-04-22. Review status: criteria provided, single submitter. Criteria: Invitae Variant Classification Sherloc (09022015). Collection method: clinical testing. Allele origin: germline.
Comment: In summary, the available evidence is currently insufficient to determine the role of this variant in disease. Therefore, it has been classified as a Variant of Uncertain Significance. Experimental studies and prediction algorithms are not available or were not evaluated, and the functional significance of this variant is currently unknown. This variant has not been reported in the literature in individuals affected with SEPT9-related conditions. This variant is not present in population databases (gnomAD no frequency). This variant, c.1354_1359del, results in the deletion of 2 amino acid(s) of the SEPT9 protein (p.Ile452_Asp453del), but otherwise preserves the integrity of the reading frame.

NM_001113491.2(SEPTIN9):c.1408_1413del (p.Ile470_Asp471del)

Gene: SEPTIN9 (septin 9; plus strand). Cytogenetic location: 17q25.3.
Variant type: Deletion.
Coding change: c.1408_1413del on transcript NM_001113491.2 (MANE Select); coding-DNA positions 1408 to 1413, 6 bases deleted (ATCGAC; older notation c.1408_1413delATCGAC).
Protein change: p.Ile470_Asp471del.
Molecular consequence: inframe deletion.
Genome position (GRCh38, 1-based): chr17:77,492,648-77,492,653, ATCGAC deleted; deleting any 6 consecutive bases within chr17:77,492,647-77,492,653 gives the same sequence; the c. name uses the placement nearest the transcript's 3' end. VCF-style (leftmost placement, unchanged base first): chr17-77492646-GCATCGA-G. GRCh37 (hg19) VCF-style: chr17-75488728-GCATCGA-G.
Other names: c.916_921del, p.Ile306_Asp307del (NM_001113492.2, NM_001113494.1); c.1387_1392del, p.Ile463_Asp464del (NM_001113493.2); c.655_660del, p.Ile219_Asp220del (NM_001113495.2, NM_001113496.2, NM_001293697.2 and 1 more transcripts); c.1351_1356del, p.Ile451_Asp452del (NM_001293695.2); c.736_741del, p.Ile246_Asp247del (NM_001293696.2); c.1354_1359del, p.Ile452_Asp453del (NM_006640.5).
Identifiers: ClinVar variation 2445578 (VCV002445578.4), dbSNP rs2510122431, ClinGen allele CA2580095236.